The following is an entry in ClinVar:

NM_001009944.3(PKD1):c.12657C>G (p.Phe4219Leu)

Gene: PKD1 (polycystin 1, transient receptor potential channel interacting; minus strand). Cytogenetic location: 16p13.3.
Variant type: single nucleotide variant.
Coding change: c.12657C>G on transcript NM_001009944.3 (MANE Select); coding-DNA position 12657, C replaced by G.
Protein change: p.Phe4219Leu; replaces phenylalanine 4219 with leucine.
Molecular consequence: missense variant.
Genome position (GRCh38, 1-based): chr16:2,089,982, G>C on the plus strand (C>G on the coding strand, the complement: PKD1 is on the minus strand). VCF-style: chr16-2089982-G-C. GRCh37 (hg19) VCF-style: chr16-2139983-G-C.
Other names: c.12654C>G, p.Phe4218Leu (NM_000296.4); short protein forms F4218L, F4219L.
Identifiers: ClinVar variation 4861942 (VCV004861942.2).

ClinVar aggregate classification (germline): Uncertain significance. Review status: criteria provided, multiple submitters, no conflicts (2 of 4 stars). 2 submissions from 2 submitters: Uncertain significance (2). Last evaluated 2026-04-22.

Conditions:
Inborn genetic diseases. Identifiers: MedGen C0950123, MeSH D030342.

gnomAD v4.1: 1 of 1,611,780 alleles (0.000062%); highest among the groups gnomAD compares: Non-Finnish European, 0.000085%; no homozygotes.

Submissions (2):

GeneDx
Classification: Uncertain significance. Last evaluated: 2026-04-22. Review status: criteria provided, single submitter. Criteria: GeneDx Variant Classification Process June 2021. Collection method: clinical testing. Allele origin: germline.
Comment: Not observed at significant frequency in large population cohorts (gnomAD); In silico analysis suggests that this missense variant does not alter protein structure/function; Has not been previously published as pathogenic or benign to our knowledge

Ambry Genetics
Classification: Uncertain significance for Inborn genetic diseases. Last evaluated: 2026-04-15. Review status: criteria provided, single submitter. Criteria: Ambry Variant Classification Scheme 2023. Collection method: clinical testing. Allele origin: germline.